The following is an entry in ClinVar:

ClinVar aggregate classification (germline): Uncertain significance. Review status: criteria provided, multiple submitters, no conflicts (2 of 4 stars). 4 submissions from 4 submitters: Uncertain significance (4). Last evaluated 2026-01-28.

Conditions:
Cardiovascular phenotype. Identifiers: MedGen CN230736.

Allele frequency attached by ClinVar (database versions not stated): gnomAD 0.00002; TOPMed 0.00002; ExAC 0.00003; gnomAD exomes 0.00004 and 0.00006.

Submissions (4):

Labcorp Genetics (formerly Invitae), Labcorp
Classification: Uncertain significance. Last evaluated: 2026-01-28. Review status: criteria provided, single submitter. Criteria: Invitae Variant Classification Sherloc (09022015). Collection method: clinical testing. Allele origin: germline.
Comment: This sequence change replaces arginine, which is basic and polar, with tryptophan, which is neutral and slightly polar, at codon 1211 of the ALPK3 protein (p.Arg1211Trp). This variant is present in population databases (rs765812547, gnomAD 0.02%). This variant has not been reported in the literature in individuals affected with ALPK3-related conditions. ClinVar contains an entry for this variant (Variation ID: 389961). Invitae Evidence Modeling of protein sequence and biophysical properties (such as structural, functional, and spatial information, amino acid conservation, physicochemical variation, residue mobility, and thermodynamic stability) indicates that this missense variant is expected to disrupt ALPK3 protein function with a positive predictive value of 80%. In summary, the available evidence is currently insufficient to determine the role of this variant in disease. Therefore, it has been classified as a Variant of Uncertain Significance.

Blueprint Genetics
Classification: Uncertain significance. Last evaluated: 2024-10-18. Review status: criteria provided, single submitter. Criteria: ACMG Guidelines, 2015. Collection method: clinical testing. Allele origin: germline.

GeneDx
Classification: Uncertain significance. Last evaluated: 2024-09-04. Review status: criteria provided, single submitter. Criteria: GeneDx Variant Classification Process June 2021. Collection method: clinical testing. Allele origin: germline. Affected: yes.
Comment: Has not been previously published as pathogenic or benign to our knowledge; In silico analysis supports that this missense variant has a deleterious effect on protein structure/function

Ambry Genetics
Classification: Uncertain significance for Cardiovascular phenotype. Last evaluated: 2024-06-04. Review status: criteria provided, single submitter. Criteria: Ambry Variant Classification Scheme 2023. Collection method: clinical testing. Allele origin: germline.
Comment: The p.R1211W variant (also known as c.3631C>T), located in coding exon 6 of the ALPK3 gene, results from a C to T substitution at nucleotide position 3631. The arginine at codon 1211 is replaced by tryptophan, an amino acid with dissimilar properties. This amino acid position is well conserved in available vertebrate species. In addition, the in silico prediction for this alteration is inconclusive. Since supporting evidence is limited at this time, the clinical significance of this alteration remains unclear.

NM_020778.5(ALPK3):c.3025C>T (p.Arg1009Trp)

Gene: ALPK3 (alpha kinase 3; plus strand). Cytogenetic location: 15q25.3.
Variant type: single nucleotide variant.
Coding change: c.3025C>T on transcript NM_020778.5 (MANE Select); coding-DNA position 3025, C replaced by T.
Protein change: p.Arg1009Trp; replaces arginine 1009 with tryptophan.
Molecular consequence: missense variant.
Genome position (GRCh38, 1-based): chr15:84,857,763, C>T. VCF-style: chr15-84857763-C-T. GRCh37 (hg19) VCF-style: chr15-85400994-C-T.
Other names: short protein forms R1211W, R1009W.
Identifiers: ClinVar variation 389961 (VCV000389961.13), dbSNP rs765812547, ClinGen allele CA7709538.